The following is an entry in ClinVar:

NM_022455.5(NSD1):c.7352G>A (p.Arg2451Lys)

Gene: NSD1 (nuclear receptor binding SET domain protein 1; plus strand). Cytogenetic location: 5q35.3.
Variant type: single nucleotide variant.
Coding change: c.7352G>A on transcript NM_022455.5 (MANE Select); coding-DNA position 7352, G replaced by A.
Protein change: p.Arg2451Lys; replaces arginine 2451 with lysine.
Molecular consequence: missense variant.
Genome position (GRCh38, 1-based): chr5:177,294,720, G>A. VCF-style: chr5-177294720-G-A. GRCh37 (hg19) VCF-style: chr5-176721721-G-A.
Other names: c.6479G>A, p.Arg2160Lys (NM_001365684.2, NM_001409308.1, NM_172349.5); c.7352G>A, p.Arg2451Lys (NM_001409301.1, NM_001409302.1, NM_001409303.1); c.6932G>A, p.Arg2311Lys (NM_001409304.1); c.6599G>A, p.Arg2200Lys (NM_001409305.1); c.6590G>A, p.Arg2197Lys (NM_001409306.1, NM_001409307.1); c.6230G>A, p.Arg2077Lys (NM_001409309.1); short protein forms R2451K, R2182K, R2200K, R2160K, R2197K, R2077K, R2311K.
Identifiers: ClinVar variation 955550 (VCV000955550.42), dbSNP rs200115665, ClinGen allele CA3578125.

ClinVar aggregate classification (germline): Conflicting classifications of pathogenicity. Review status: criteria provided, conflicting classifications (1 of 4 stars). 9 submissions from 9 submitters: Uncertain significance (1); Benign (1); Likely benign (6). 1 of the submissions does not count toward it. Last evaluated 2026-03-01.

Conditions:
NSD1-related disorder. Also called: NSD1-related condition.
Sotos syndrome (SOTOS). Also called: CEREBRAL GIGANTISM; CHROMOSOME 5q35 DELETION SYNDROME; SOTOS SYNDROME 1; Sotos' syndrome; Distinctive facial appearance, overgrowth in childhood, and learning disabilities or delayed development. Identifiers: Orphanet 821, MedGen C0175695, MONDO:0019349, OMIM 117550.
Inborn genetic diseases. Identifiers: MedGen C0950123, MeSH D030342.

Allele frequency attached by ClinVar (database versions not stated): ESP Exome Variant Server 0.00008; gnomAD exomes 0.00010 and 0.00022; ExAC 0.00014; TOPMed 0.00016; gnomAD 0.00017 and 0.00018.
gnomAD v4.1: 337 of 1,614,100 alleles (0.021%); highest among the groups gnomAD compares: Non-Finnish European, 0.028%; no homozygotes.

Submissions (9):

CeGaT Center for Human Genetics Tuebingen
Classification: Benign. Last evaluated: 2026-03-01. Review status: criteria provided, single submitter. Criteria: CeGaT Center For Human Genetics Tuebingen Variant Classification Criteria Version 2. Collection method: clinical testing. Allele origin: germline. Affected: yes. Observed: 4 variant alleles.
Comment: NSD1: BS1, BS2

Labcorp Genetics (formerly Invitae), Labcorp
Classification: Likely benign. Last evaluated: 2026-01-19. Review status: criteria provided, single submitter. Criteria: Invitae Variant Classification Sherloc (09022015). Collection method: clinical testing. Allele origin: germline.

Laboratory of Genetics, Children's Clinical University Hospital Latvia
Classification: Likely benign. Last evaluated: 2025-02-16. Review status: criteria provided, single submitter. Criteria: ACMG Guidelines, 2015. Collection method: clinical testing. Allele origin: germline. Affected: yes.

Fulgent Genetics
Classification: Likely benign for Sotos syndrome. Last evaluated: 2024-05-13. Review status: criteria provided, single submitter. Criteria: ACMG Guidelines, 2015. Collection method: clinical testing. Allele origin: germline.

Blueprint Genetics
Classification: Likely benign. Last evaluated: 2023-10-12. Review status: criteria provided, single submitter. Criteria: ACMG Guidelines, 2015. Collection method: clinical testing. Allele origin: germline.

Ambry Genetics
Classification: Likely benign for Inborn genetic diseases. Last evaluated: 2023-01-10. Review status: criteria provided, single submitter. Criteria: Ambry Variant Classification Scheme 2023. Collection method: clinical testing. Allele origin: germline.

Genome-Nilou Lab
Classification: Uncertain significance for Sotos syndrome. Last evaluated: 2021-07-15. Review status: criteria provided, single submitter. Criteria: ACMG Guidelines, 2015. Collection method: clinical testing. Allele origin: germline. Affected: no.

GeneDx
Classification: Likely benign. Last evaluated: 2019-10-16. Review status: criteria provided, single submitter. Criteria: GeneDx Variant Classification Process June 2021. Collection method: clinical testing. Allele origin: germline. Affected: yes.
Comment: This variant is associated with the following publications: (PMID: 30086788)

PreventionGenetics, part of Exact Sciences
Classification: Likely benign for NSD1-related condition. Last evaluated: 2024-03-29. Review status: no assertion criteria provided. Collection method: clinical testing. Allele origin: germline. Not counted in ClinVar's aggregate classification.
Comment: This variant is classified as likely benign based on ACMG/AMP sequence variant interpretation guidelines (Richards et al. 2015 PMID: 25741868, with internal and published modifications).